The following is an entry in ClinVar:

NM_004035.7(ACOX1):c.379G>A (p.Ala127Thr)

Gene: ACOX1 (acyl-CoA oxidase 1; minus strand). Cytogenetic location: 17q25.1.
Variant type: single nucleotide variant.
Coding change: c.379G>A on transcript NM_004035.7 (MANE Select); coding-DNA position 379, G replaced by A.
Protein change: p.Ala127Thr; replaces alanine 127 with threonine.
Molecular consequence: missense variant. On other transcripts: intron variant (1).
Genome position (GRCh38, 1-based): chr17:75,960,266, C>T on the plus strand (G>A on the coding strand, the complement: ACOX1 is on the minus strand). VCF-style: chr17-75960266-C-T. GRCh37 (hg19) VCF-style: chr17-73956347-C-T.
Other names: c.265G>A, p.Ala89Thr (NM_001185039.2); c.431-2700G>A (NM_007292.6); short protein forms A89T, A127T.
Identifiers: ClinVar variation 1909927 (VCV001909927.2), dbSNP rs753668223, ClinGen allele CA294113185.

ClinVar aggregate classification (germline): Uncertain significance (1 of 4 stars; one submission).

Conditions:
Acyl-CoA oxidase deficiency. Also called: STRAIGHT-CHAIN ACYL-CoA OXIDASE DEFICIENCY; Pseudoneonatal adrenoleukodystrophy; Peroxisomal acyl-CoA oxidase deficiency. Identifiers: Orphanet 2971, MedGen C1849678, MONDO:0009919, OMIM 264470. Disease mechanism: loss of function.

gnomAD v4.1: 25 of 1,614,046 alleles (0.0015%); highest among the groups gnomAD compares: African/African-American, 0.004%; no homozygotes.

Submission:

Labcorp Genetics (formerly Invitae), Labcorp
Classification: Uncertain significance for Acyl-CoA oxidase deficiency. Last evaluated: 2022-04-12. Review status: criteria provided, single submitter. Criteria: Invitae Variant Classification Sherloc (09022015). Collection method: clinical testing. Allele origin: germline.
Comment: This sequence change replaces alanine, which is neutral and non-polar, with threonine, which is neutral and polar, at codon 127 of the ACOX1 protein (p.Ala127Thr). This variant is not present in population databases (gnomAD no frequency). This variant has not been reported in the literature in individuals affected with ACOX1-related conditions. Algorithms developed to predict the effect of missense changes on protein structure and function output the following: SIFT: "Tolerated"; PolyPhen-2: "Benign"; Align-GVGD: "Class C0". The threonine amino acid residue is found in multiple mammalian species, which suggests that this missense change does not adversely affect protein function. In summary, the available evidence is currently insufficient to determine the role of this variant in disease. Therefore, it has been classified as a Variant of Uncertain Significance.